The following is an entry in ClinVar:

ClinVar aggregate classification (germline): Uncertain significance. Review status: criteria provided, multiple submitters, no conflicts (2 of 4 stars). 2 submissions from 2 submitters: Uncertain significance (2). Last evaluated 2024-03-13.

Conditions:
Renal cell carcinoma. Identifiers: Orphanet 217071, MedGen C0007134, MeSH D002292, MONDO:0005086, HP:0005584.
Hereditary cancer-predisposing syndrome. Also called: Neoplastic Syndromes, Hereditary; Tumor predisposition; Hereditary Cancer Syndrome; Hereditary neoplastic syndrome. Identifiers: Orphanet 140162, MedGen C0027672, MeSH D009386, MONDO:0015356.

Allele frequency attached by ClinVar (database versions not stated): gnomAD exomes below 0.00001; TOPMed below 0.00001.
gnomAD v4.1: 1 of 1,613,956 alleles (0.000062%); highest among the groups gnomAD compares: Non-Finnish European, 0.000085%; no homozygotes.

Submissions (2):

Ambry Genetics
Classification: Uncertain significance for Hereditary cancer-predisposing syndrome. Last evaluated: 2024-03-13. Review status: criteria provided, single submitter. Criteria: Ambry Variant Classification Scheme 2023. Collection method: clinical testing. Allele origin: germline.
Comment: The p.S661N variant (also known as c.1982G>A), located in coding exon 7 of the MET gene, results from a G to A substitution at nucleotide position 1982. The serine at codon 661 is replaced by asparagine, an amino acid with highly similar properties. This amino acid position is well conserved in available vertebrate species. In addition, this alteration is predicted to be tolerated by in silico analysis. Since supporting evidence is limited at this time, the clinical significance of this alteration remains unclear.

Labcorp Genetics (formerly Invitae), Labcorp
Classification: Uncertain significance for Renal cell carcinoma. Last evaluated: 2021-08-01. Review status: criteria provided, single submitter. Criteria: Invitae Variant Classification Sherloc (09022015). Collection method: clinical testing. Allele origin: germline.
Comment: This sequence change replaces serine with asparagine at codon 661 of the MET protein (p.Ser661Asn). The serine residue is moderately conserved and there is a small physicochemical difference between serine and asparagine. This variant is not present in population databases (ExAC no frequency). This variant has not been reported in the literature in individuals affected with MET-related conditions. ClinVar contains an entry for this variant (Variation ID: 820446). Algorithms developed to predict the effect of missense changes on protein structure and function output the following: SIFT: "Tolerated"; PolyPhen-2: "Benign"; Align-GVGD: "Class C0". The asparagine amino acid residue is found in multiple mammalian species, which suggests that this missense change does not adversely affect protein function. In summary, the available evidence is currently insufficient to determine the role of this variant in disease. Therefore, it has been classified as a Variant of Uncertain Significance.

NM_000245.4(MET):c.1982G>A (p.Ser661Asn)

Gene: MET (MET proto-oncogene, receptor tyrosine kinase; plus strand). Cytogenetic location: 7q31.2.
Variant type: single nucleotide variant.
Coding change: c.1982G>A on transcript NM_000245.4 (MANE Select); coding-DNA position 1982, G replaced by A.
Protein change: p.Ser661Asn; replaces serine 661 with asparagine.
Molecular consequence: missense variant.
Genome position (GRCh38, 1-based): chr7:116,757,654, G>A. VCF-style: chr7-116757654-G-A. GRCh37 (hg19) VCF-style: chr7-116397708-G-A.
Other names: c.1982G>A, p.Ser661Asn (NM_001127500.3, NM_001324401.3); c.692G>A, p.Ser231Asn (NM_001324402.2); short protein forms S661N, S231N.
Identifiers: ClinVar variation 820446 (VCV000820446.7), dbSNP rs755139610, ClinGen allele CA368979633.